The following is an entry in ClinVar:

NM_182961.4(SYNE1):c.15095T>C (p.Leu5032Pro)

Gene: SYNE1 (spectrin repeat containing nuclear envelope protein 1; minus strand). Cytogenetic location: 6q25.2.
Variant type: single nucleotide variant.
Coding change: c.15095T>C on transcript NM_182961.4 (MANE Select); coding-DNA position 15095, T replaced by C.
Protein change: p.Leu5032Pro; replaces leucine 5032 with proline.
Molecular consequence: missense variant.
Genome position (GRCh38, 1-based): chr6:152,326,494, A>G on the plus strand (T>C on the coding strand, the complement: SYNE1 is on the minus strand). VCF-style: chr6-152326494-A-G. GRCh37 (hg19) VCF-style: chr6-152647629-A-G.
Other names: c.14882T>C, p.Leu4961Pro (NM_033071.5); short protein forms L5032P, L4961P.
Identifiers: ClinVar variation 1462380 (VCV001462380.8), dbSNP rs2153955400, ClinGen allele CA366093734.
Genomic context (GRCh38, chr6:152,326,494, plus strand): 5'-AGCTCCTCCAGGTTACTATGGAACTGATCCTCTGTACTGAAAAATTCCATGTGGCTTTTG[A>G]GATTTTCCTCTGCGCTCTCCACGTCTAGGCCATTGCCTGCCAGCTGTAACAATTCTTGGG-3'
Protein context (NP_892006.3, residues 5022-5042): GLDVESAEEN[Leu5032Pro]KSHMEFFSTE

ClinVar aggregate classification (germline): Uncertain significance (1 of 4 stars; one submission).

Conditions:
Autosomal recessive ataxia, Beauce type. Also called: SYNE1-Related Autosomal Recessive Cerebellar Ataxia; Spinocerebellar ataxia, autosomal recessive 8; ATAXIA, RECESSIVE, OF BEAUCE; SYNE1 Deficiency. Identifiers: Orphanet 88644, MedGen C1853116, MONDO:0012549, OMIM 610743.
Emery-Dreifuss muscular dystrophy 4, autosomal dominant (EDMD4). Also called: EMERY-DREIFUSS MUSCULAR DYSTROPHY 4 WITH VARIABLE FEATURES. Identifiers: Orphanet 261, MedGen C2751807, MONDO:0013071, OMIM 612998.

Submission:

Labcorp Genetics (formerly Invitae), Labcorp
Classification: Uncertain significance for Emery-Dreifuss muscular dystrophy 4, autosomal dominant; Autosomal recessive ataxia, Beauce type. Last evaluated: 2022-11-15. Review status: criteria provided, single submitter. Criteria: Invitae Variant Classification Sherloc (09022015). Collection method: clinical testing. Allele origin: germline.
Comment: In summary, the available evidence is currently insufficient to determine the role of this variant in disease. Therefore, it has been classified as a Variant of Uncertain Significance. Algorithms developed to predict the effect of missense changes on protein structure and function (SIFT, PolyPhen-2, Align-GVGD) all suggest that this variant is likely to be disruptive. ClinVar contains an entry for this variant (Variation ID: 1462380). This variant has not been reported in the literature in individuals affected with SYNE1-related conditions. This variant is not present in population databases (gnomAD no frequency). This sequence change replaces leucine, which is neutral and non-polar, with proline, which is neutral and non-polar, at codon 4961 of the SYNE1 protein (p.Leu4961Pro).